The following is an entry in ClinVar:

NM_024408.4(NOTCH2):c.1426G>A (p.Gly476Arg)

Gene: NOTCH2 (notch receptor 2; minus strand). Cytogenetic location: 1p12.
Variant type: single nucleotide variant.
Coding change: c.1426G>A on transcript NM_024408.4 (MANE Select); coding-DNA position 1426, G replaced by A.
Protein change: p.Gly476Arg; replaces glycine 476 with arginine.
Molecular consequence: missense variant.
Genome position (GRCh38, 1-based): chr1:119,967,460, C>T on the plus strand (G>A on the coding strand, the complement: NOTCH2 is on the minus strand). VCF-style: chr1-119967460-C-T. GRCh37 (hg19) VCF-style: chr1-120510083-C-T.
Other names: c.1426G>A, p.Gly476Arg (NM_001200001.2); short protein forms G476R.
Identifiers: ClinVar variation 2975404 (VCV002975404.4), dbSNP rs2101143707, ClinGen allele CA341877616.
Genomic context (GRCh38, chr1:119,967,460, plus strand): 5'-CTCTAGACCCAACATGCTGATGGGCCCATTTACCTGGCATGCACAGACATGTGAAGCCTC[C>T]AATCTTATCCAGACAGGTAGCATCATTCTGGCAGGGGTCTGAATGGCACTCATTGATGTC-3'
Protein context (NP_077719.2, residues 466-486): QNDATCLDKI[Gly476Arg]GFTCLCMPGF

ClinVar aggregate classification (germline): Uncertain significance. Review status: criteria provided, multiple submitters, no conflicts (2 of 4 stars). 2 submissions from 2 submitters: Uncertain significance (2). Last evaluated 2024-02-19.

Conditions:
Hajdu-Cheney syndrome (HJCYS). Also called: Acroosteolysis dominant type; SERPENTINE FIBULA-POLYCYSTIC KIDNEY SYNDROME; ACROOSTEOLYSIS WITH OSTEOPOROSIS AND CHANGES IN SKULL AND MANDIBLE. Identifiers: Orphanet 955, MedGen C0917715, MONDO:0007057, OMIM 102500.
Alagille syndrome due to a NOTCH2 point mutation. Also called: Alagille syndrome 2. Identifiers: Orphanet 261629, Orphanet 52, MedGen C1857761, MONDO:0012439, OMIM 610205.

Submissions (2):

Fulgent Genetics
Classification: Uncertain significance for Hajdu-Cheney syndrome; Alagille syndrome due to a NOTCH2 point mutation. Last evaluated: 2024-02-19. Review status: criteria provided, single submitter. Criteria: ACMG Guidelines, 2015. Collection method: clinical testing. Allele origin: germline.

Labcorp Genetics (formerly Invitae), Labcorp
Classification: Uncertain significance for Hajdu-Cheney syndrome. Last evaluated: 2023-02-26. Review status: criteria provided, single submitter. Criteria: Invitae Variant Classification Sherloc (09022015). Collection method: clinical testing. Allele origin: germline.
Comment: In summary, the available evidence is currently insufficient to determine the role of this variant in disease. Therefore, it has been classified as a Variant of Uncertain Significance. Advanced modeling of protein sequence and biophysical properties (such as structural, functional, and spatial information, amino acid conservation, physicochemical variation, residue mobility, and thermodynamic stability) performed at Invitae indicates that this missense variant is expected to disrupt NOTCH2 protein function. This variant has not been reported in the literature in individuals affected with NOTCH2-related conditions. This variant is not present in population databases (gnomAD no frequency). This sequence change replaces glycine, which is neutral and non-polar, with arginine, which is basic and polar, at codon 476 of the NOTCH2 protein (p.Gly476Arg).